The following is an entry in ClinVar:

NM_019032.6(ADAMTSL4):c.2416C>T (p.Arg806Trp)

Gene: ADAMTSL4 (ADAMTS like 4; plus strand). Cytogenetic location: 1q21.2.
Variant type: single nucleotide variant.
Coding change: c.2416C>T on transcript NM_019032.6 (MANE Select); coding-DNA position 2416, C replaced by T.
Protein change: p.Arg806Trp; replaces arginine 806 with tryptophan.
Molecular consequence: missense variant.
Genome position (GRCh38, 1-based): chr1:150,558,506, C>T. VCF-style: chr1-150558506-C-T. GRCh37 (hg19) VCF-style: chr1-150530982-C-T.
Other names: c.2299C>T, p.Arg767Trp (NM_001288607.2); c.2485C>T, p.Arg829Trp (NM_001288608.2); c.2416C>T, p.Arg806Trp (NM_001378596.1, NM_025008.5); short protein forms R767W, R806W, R829W.
Identifiers: ClinVar variation 2414212 (VCV002414212.3), dbSNP rs373405565, ClinGen allele CA1078671.

ClinVar aggregate classification (germline): Uncertain significance (1 of 4 stars; one submission).

Allele frequency attached by ClinVar (database versions not stated): gnomAD 0.00002; gnomAD exomes 0.00003; ExAC 0.00005; TOPMed 0.00005; ESP Exome Variant Server 0.00008; 1000 Genomes Project 30x 0.00016; 1000 Genomes Project 0.00020.
gnomAD v4.1: 41 of 1,613,750 alleles (0.0025%); highest among the groups gnomAD compares: South Asian, 0.0044%; no homozygotes.

Submission:

Labcorp Genetics (formerly Invitae), Labcorp
Classification: Uncertain significance. Last evaluated: 2022-04-18. Review status: criteria provided, single submitter. Criteria: Invitae Variant Classification Sherloc (09022015). Collection method: clinical testing. Allele origin: germline.
Comment: This sequence change replaces arginine, which is basic and polar, with tryptophan, which is neutral and slightly polar, at codon 806 of the ADAMTSL4 protein (p.Arg806Trp). This variant is present in population databases (rs373405565, gnomAD 0.007%). This variant has not been reported in the literature in individuals affected with ADAMTSL4-related conditions. Algorithms developed to predict the effect of missense changes on protein structure and function (SIFT, PolyPhen-2, Align-GVGD) all suggest that this variant is likely to be disruptive. In summary, the available evidence is currently insufficient to determine the role of this variant in disease. Therefore, it has been classified as a Variant of Uncertain Significance.